The following is an entry in ClinVar:

NM_144997.7(FLCN):c.1321del (p.Val441fs)

Gene: FLCN (folliculin; minus strand). Cytogenetic location: 17p11.2.
Variant type: Deletion.
Coding change: c.1321del on transcript NM_144997.7 (MANE Select); coding-DNA position 1321, one base deleted (G; older notation c.1321delG).
Protein change: p.Val441fs; shifts the reading frame from valine 441.
Molecular consequence: frameshift variant.
Genome position (GRCh38, 1-based): chr17:17,215,296, C deleted on the plus strand (G on the coding strand, the reverse complement: FLCN is on the minus strand); the first of 2 consecutive C bases (chr17:17,215,296-17,215,297); deleting either gives the same sequence. VCF-style (leftmost placement, unchanged base first): chr17-17215295-AC-A. GRCh37 (hg19) VCF-style: chr17-17118609-AC-A.
Other names: c.1321delG (NM_144997.5); c.1375del, p.Val459fs (NM_001353229.2); c.1321del, p.Val441fs (NM_001353230.2, NM_001353231.2); short protein forms V459fs, V441fs.
Identifiers: ClinVar variation 1455402 (VCV001455402.7), dbSNP rs2144840088, ClinGen allele CA2573153090.

ClinVar aggregate classification (germline): Pathogenic. Review status: criteria provided, multiple submitters, no conflicts (2 of 4 stars). 2 submissions from 2 submitters: Pathogenic (2). Last evaluated 2025-07-09.

Conditions:
Hereditary cancer-predisposing syndrome. Also called: Hereditary Cancer Syndrome; Hereditary neoplastic syndrome; Tumor predisposition; Neoplastic Syndromes, Hereditary. Identifiers: Orphanet 140162, MedGen C0027672, MeSH D009386, MONDO:0015356.
Birt-Hogg-Dube syndrome. Also called: Birt Hogg Dubé syndrome. Identifiers: Orphanet 122, MedGen C0346010, MONDO:0800444.

Submissions (2):

Ambry Genetics
Classification: Pathogenic for Hereditary cancer-predisposing syndrome. Last evaluated: 2025-07-09. Review status: criteria provided, single submitter. Criteria: Ambry Variant Classification Scheme 2023. Collection method: clinical testing. Allele origin: germline.
Comment: The c.1321delG pathogenic mutation, located in coding exon 9 of the FLCN gene, results from a deletion of one nucleotide at nucleotide position 1321, causing a translational frameshift with a predicted alternate stop codon (p.V441Sfs*27). This variant was reported in individual(s) with features consistent with Birt-Hogg-Dube syndrome (Sattler EC et al. Br J Dermatol, 2018 Feb;178:e132-e133). This variant is considered to be rare based on population cohorts in the Genome Aggregation Database (gnomAD. This alteration is expected to result in loss of function by premature protein truncation or nonsense-mediated mRNA decay. As such, this alteration is interpreted as a disease-causing mutation.

Labcorp Genetics (formerly Invitae), Labcorp
Classification: Pathogenic for Birt-Hogg-Dube syndrome. Last evaluated: 2023-02-25. Review status: criteria provided, single submitter. Criteria: Invitae Variant Classification Sherloc (09022015). Collection method: clinical testing. Allele origin: germline.
Comment: For these reasons, this variant has been classified as Pathogenic. ClinVar contains an entry for this variant (Variation ID: 1455402). This premature translational stop signal has been observed in individual(s) with clinical features of Birt-Hogg-Dubé syndrome (PMID: 28869776). This variant is not present in population databases (gnomAD no frequency). This sequence change creates a premature translational stop signal (p.Val441Serfs*27) in the FLCN gene. It is expected to result in an absent or disrupted protein product. Loss-of-function variants in FLCN are known to be pathogenic (PMID: 15852235).

Literature cited by the submitters: PubMed 28869776 (cited by Ambry Genetics and Labcorp Genetics (formerly Invitae), Labcorp); PubMed 15852235 (cited by Labcorp Genetics (formerly Invitae), Labcorp).